The following is an entry in ClinVar:

ClinVar aggregate classification (germline): Uncertain significance (1 of 4 stars; one submission).

Submission:

Ambry Genetics
Classification: Uncertain significance. Last evaluated: 2025-04-21. Review status: criteria provided, single submitter. Criteria: Ambry Variant Classification Scheme 2023. Collection method: clinical testing. Allele origin: germline.
Comment: The p.E1229Q variant (also known as c.3685G>C), located in coding exon 6 of the MLH3 gene, results from a G to C substitution at nucleotide position 3685. The glutamic acid at codon 1229 is replaced by glutamine, an amino acid with highly similar properties. This amino acid position is highly conserved in available vertebrate species. In addition, this alteration is predicted to be deleterious by in silico analysis. Since supporting evidence is limited at this time, the clinical significance of this alteration remains unclear.

NM_001040108.2(MLH3):c.3685G>C (p.Glu1229Gln)

Gene: MLH3 (mutL homolog 3; minus strand). Cytogenetic location: 14q24.3.
Variant type: single nucleotide variant.
Coding change: c.3685G>C on transcript NM_001040108.2 (MANE Select); coding-DNA position 3685, G replaced by C.
Protein change: p.Glu1229Gln; replaces glutamic acid 1229 with glutamine.
Molecular consequence: missense variant. On other transcripts: intron variant (1).
Genome position (GRCh38, 1-based): chr14:75,033,449, C>G on the plus strand (G>C on the coding strand, the complement: MLH3 is on the minus strand). VCF-style: chr14-75033449-C-G. GRCh37 (hg19) VCF-style: chr14-75500152-C-G.
Other names: c.3644-1270G>C (NM_014381.3); short protein forms E1229Q.
Identifiers: ClinVar variation 1733917 (VCV001733917.3), dbSNP rs2503142129, ClinGen allele CA390425338.